The following is an entry in ClinVar:

ClinVar aggregate classification (germline): Conflicting classifications of pathogenicity. Review status: criteria provided, conflicting classifications (1 of 4 stars). 2 submissions from 2 submitters: Uncertain significance (1); Likely benign (1). Last evaluated 2023-05-18.

Allele frequency attached by ClinVar (database versions not stated): ExAC 0.00003.

Submissions (2):

Ambry Genetics
Classification: Uncertain significance. Last evaluated: 2023-05-18. Review status: criteria provided, single submitter. Criteria: Ambry Variant Classification Scheme 2023. Collection method: clinical testing. Allele origin: germline.

CeGaT Center for Human Genetics Tuebingen
Classification: Likely benign. Last evaluated: 2022-04-01. Review status: criteria provided, single submitter. Criteria: CeGaT Center For Human Genetics Tuebingen Variant Classification Criteria Version 2. Collection method: clinical testing. Allele origin: germline. Affected: yes. Observed: 1 variant allele.
Comment: VCX3B: BP4

NM_001001888.4(VCX3B):c.611T>C (p.Leu204Pro)

Gene: VCX3B (variable charge X-linked 3B; plus strand). Cytogenetic location: Xp22.31.
Variant type: single nucleotide variant.
Coding change: c.611T>C on transcript NM_001001888.4 (MANE Select); coding-DNA position 611, T replaced by C.
Protein change: p.Leu204Pro; replaces leucine 204 with proline.
Molecular consequence: missense variant.
Genome position (GRCh38, 1-based): chrX:8,466,253, T>C. VCF-style: chrX-8466253-T-C. GRCh37 (hg19) VCF-style: chrX-8434294-T-C.
Other names: short protein forms L204P.
Identifiers: ClinVar variation 2508510 (VCV002508510.26), dbSNP rs759569482, ClinGen allele CA10343366.